The following is an entry in ClinVar:

ClinVar aggregate classification (germline): Uncertain significance. Review status: criteria provided, multiple submitters, no conflicts (2 of 4 stars). 2 submissions from 2 submitters: Uncertain significance (2). Last evaluated 2025-08-30.

Conditions:
Inborn genetic diseases. Identifiers: MedGen C0950123, MeSH D030342.

Submissions (2):

Ambry Genetics
Classification: Uncertain significance for Inborn genetic diseases. Last evaluated: 2025-08-30. Review status: criteria provided, single submitter. Criteria: Ambry Variant Classification Scheme 2023. Collection method: clinical testing. Allele origin: germline.
Comment: The p.G402E variant (also known as c.1205G>A), located in coding exon 11 of the DDX41 gene, results from a G to A substitution at nucleotide position 1205. The glycine at codon 402 is replaced by glutamic acid, an amino acid with similar properties. This amino acid position is conserved. In addition, this alteration is predicted to be tolerated by in silico analysis. Based on the available evidence, the clinical significance of this variant remains unclear.

Labcorp Genetics (formerly Invitae), Labcorp
Classification: Uncertain significance. Last evaluated: 2025-01-08. Review status: criteria provided, single submitter. Criteria: Invitae Variant Classification Sherloc (09022015). Collection method: clinical testing. Allele origin: germline.
Comment: This sequence change replaces glycine, which is neutral and non-polar, with glutamic acid, which is acidic and polar, at codon 402 of the DDX41 protein (p.Gly402Glu). This variant is not present in population databases (gnomAD no frequency). This variant has not been reported in the literature in individuals affected with DDX41-related conditions. An algorithm developed to predict the effect of missense changes on protein structure and function (PolyPhen-2) suggests that this variant is likely to be tolerated. In summary, the available evidence is currently insufficient to determine the role of this variant in disease. Therefore, it has been classified as a Variant of Uncertain Significance.

NM_016222.4(DDX41):c.1205G>A (p.Gly402Glu)

Gene: DDX41 (DEAD-box helicase 41; minus strand). Cytogenetic location: 5q35.3.
Variant type: single nucleotide variant.
Coding change: c.1205G>A on transcript NM_016222.4 (MANE Select); coding-DNA position 1205, G replaced by A.
Protein change: p.Gly402Glu; replaces glycine 402 with glutamic acid.
Molecular consequence: missense variant.
Genome position (GRCh38, 1-based): chr5:177,513,378, C>T on the plus strand (G>A on the coding strand, the complement: DDX41 is on the minus strand). VCF-style: chr5-177513378-C-T. GRCh37 (hg19) VCF-style: chr5-176940379-C-T.
Other names: c.827G>A, p.Gly276Glu (NM_001321732.2, NM_001321830.2); c.1205G>A (NM_016222.2); short protein forms G402E, G276E.
Identifiers: ClinVar variation 3728636 (VCV003728636.3).